The following is an entry in ClinVar:

ClinVar aggregate classification (germline): Uncertain significance (1 of 4 stars; one submission).

Conditions:
SF3B1-related disorder. Also called: SF3B1-related condition.

Submission:

PreventionGenetics, part of Exact Sciences
Classification: Uncertain significance for SF3B1-related condition. Last evaluated: 2022-09-20. Review status: criteria provided, single submitter. Criteria: ACMG Guidelines, 2015. Collection method: clinical testing. Allele origin: germline.
Comment: The SF3B1 c.3235A>G variant is predicted to result in the amino acid substitution p.Asn1079Asp. To our knowledge, this variant has not been reported in the literature or in a large population database, indicating this variant is rare. Although we suspect that this variant may be pathogenic, at this time, the clinical significance of this variant is uncertain due to the absence of conclusive functional and genetic evidence.

NM_012433.4(SF3B1):c.3235A>G (p.Asn1079Asp)

Gene: SF3B1 (splicing factor 3b subunit 1; minus strand). Cytogenetic location: 2q33.1.
Variant type: single nucleotide variant.
Coding change: c.3235A>G on transcript NM_012433.4 (MANE Select); coding-DNA position 3235, A replaced by G.
Protein change: p.Asn1079Asp; replaces asparagine 1079 with aspartic acid.
Molecular consequence: missense variant.
Genome position (GRCh38, 1-based): chr2:197,398,016, T>C on the plus strand (A>G on the coding strand, the complement: SF3B1 is on the minus strand). VCF-style: chr2-197398016-T-C. GRCh37 (hg19) VCF-style: chr2-198262740-T-C.
Other names: short protein forms N1079D.
Identifiers: ClinVar variation 2636431 (VCV002636431.1), dbSNP rs2469932160, ClinGen allele CA350188750.